The following is an entry in ClinVar:

NM_172351.3(CD46):c.1031C>T (p.Ala344Val)

Gene: CD46 (CD46 molecule; plus strand). Cytogenetic location: 1q32.2.
Variant type: single nucleotide variant.
Coding change: c.1031C>T on transcript NM_172351.3 (MANE Select); coding-DNA position 1031, C replaced by T.
Protein change: p.Ala344Val; replaces alanine 344 with valine.
Molecular consequence: missense variant. On other transcripts: intron variant (2).
Genome position (GRCh38, 1-based): chr1:207,785,631, C>T. VCF-style: chr1-207785631-C-T. GRCh37 (hg19) VCF-style: chr1-207958976-C-T.
Other names: c.1076C>T, p.Ala359Val (NM_002389.4, NM_172359.3); c.1031C>T, p.Ala344Val (NM_153826.4); c.986C>T, p.Ala329Val (NM_172352.3, NM_172353.3); c.989C>T, p.Ala330Val (NM_172355.3, NM_172356.3); c.944C>T, p.Ala315Val (NM_172357.3, NM_172361.3); c.1019-25C>T (NM_172358.3); c.973+525C>T (NM_172350.3); short protein forms A315V, A329V, A330V, A344V, A359V.
Identifiers: ClinVar variation 4291196 (VCV004291196.1).

ClinVar aggregate classification (germline): Uncertain significance (1 of 4 stars; one submission).

Conditions:
Atypical hemolytic-uremic syndrome. Identifiers: Orphanet 2134, MedGen C2931788, MONDO:0016244.

Submission:

Genomenon, Inc
Classification: Uncertain significance for Atypical hemolytic-uremic syndrome. Last evaluated: 2025-10-02. Review status: criteria provided, single submitter. Criteria: Genomenon Sequence Variant Interpretation Standards. Collection method: curation. Allele origin: germline. Affected: yes.
Comment: CD46 p.Ala359Val (c.1076C>T) is a missense variant that changes the amino acid at residue 359 from Alanine to Valine. This variant has been observed in at least one proband affected with atypical hemolytic-uremic syndrome (PMID:23314101). It has been observed in trans with a pathogenic variant (PMID:23314101). It is absent or not present at a significant frequency in gnomAD. In silico models agree that this variant is not damaging. In conclusion, we classify CD46 p.Ala359Val (c.1076C>T) as a variant of uncertain significance.

Literature cited by the submitters: PubMed 23314101.